The following is an entry in ClinVar:

ClinVar aggregate classification (germline): Benign/Likely benign. Review status: criteria provided, multiple submitters, no conflicts (2 of 4 stars). 15 submissions from 12 submitters: Benign (9); Likely benign (5). 1 of the submissions does not count toward it. Last evaluated 2026-02-01.

Conditions:
Dilated cardiomyopathy 1G (CMD1G). Identifiers: Orphanet 154, MedGen C1858763, MONDO:0011400, OMIM 604145.
Autosomal recessive limb-girdle muscular dystrophy type 2J (LGMDR10). Also called: MUSCULAR DYSTROPHY, LIMB-GIRDLE, AUTOSOMAL RECESSIVE 10; Limb-girdle muscular dystrophy, type 2J. Identifiers: Orphanet 140922, MedGen C1837342, MONDO:0012127, OMIM 608807.
TTN-related disorder. Also called: TTN-related disorders; TTN-related condition; TTN-related disease.
Cardiovascular phenotype. Identifiers: MedGen CN230736.
Cardiomyopathy (CMYO). Also called: Cardiomyopathies. Identifiers: Orphanet 167848, MedGen C0878544, MONDO:0004994, HP:0001638. Inheritance: Various modes of inheritance.
Early-onset myopathy with fatal cardiomyopathy (CMYO5). Also called: CONGENITAL MYOPATHY 5 WITH CARDIOMYOPATHY; Salih Myopathy. Identifiers: Orphanet 289377, MedGen C2673677, MONDO:0012714, OMIM 611705. Disease mechanism: loss of function.
Myopathy, myofibrillar, 9, with early respiratory failure (MFM9). Also called: Myopathy, distal, with early respiratory failure, autosomal dominant; Hereditary myopathy with early respiratory failure; MYOPATHY, PROXIMAL, WITH EARLY RESPIRATORY MUSCLE INVOLVEMENT; EDSTROM MYOPATHY. Identifiers: Orphanet 178464, Orphanet 34521, MedGen C1863599, MONDO:0011362, OMIM 603689.
Tibial muscular dystrophy (TMD). Also called: Udd Distal Myopathy – Tibial Muscular Dystrophy; Tibial muscular dystrophy, tardive; UDD MYOPATHY. Identifiers: Orphanet 609, MedGen C1838244, MONDO:0010870, OMIM 600334.

Allele frequency attached by ClinVar (database versions not stated): 1000 Genomes Project 0.00020; ESP Exome Variant Server 0.00057; gnomAD exomes 0.00015 and 0.00008; 1000 Genomes Project 30x 0.00031; gnomAD 0.00087 and 0.00077; TOPMed 0.00083; ExAC 0.00022.
gnomAD v4.1: 236 of 1,613,732 alleles (0.015%); highest among the groups gnomAD compares: African/African-American, 0.25%; no homozygotes.

Submissions (15):

Labcorp Genetics (formerly Invitae), Labcorp
Classification: Benign for Dilated cardiomyopathy 1G; Autosomal recessive limb-girdle muscular dystrophy type 2J. Last evaluated: 2026-02-01. Review status: criteria provided, single submitter. Criteria: Invitae Variant Classification Sherloc (09022015). Collection method: clinical testing. Allele origin: germline.

Laboratory of Genetics, Children's Clinical University Hospital Latvia
Classification: Benign. Last evaluated: 2025-02-16. Review status: criteria provided, single submitter. Criteria: ACMG Guidelines, 2015. Collection method: clinical testing. Allele origin: germline. Affected: yes.

CeGaT Center for Human Genetics Tuebingen
Classification: Likely benign. Last evaluated: 2024-08-01. Review status: criteria provided, single submitter. Criteria: CeGaT Center For Human Genetics Tuebingen Variant Classification Criteria Version 2. Collection method: clinical testing. Allele origin: germline. Affected: yes. Observed: 3 variant alleles.
Comment: TTN: BP4, BP7

ARUP Laboratories, Molecular Genetics and Genomics, ARUP Laboratories
Classification: Likely benign. Last evaluated: 2022-09-20. Review status: criteria provided, single submitter. Criteria: ARUP Molecular Germline Variant Investigation Process 2021. Collection method: clinical testing. Allele origin: germline.

Genome-Nilou Lab
Classification: Benign for Autosomal recessive limb-girdle muscular dystrophy type 2J. Last evaluated: 2021-09-10. Review status: criteria provided, single submitter. Criteria: ACMG Guidelines, 2015. Collection method: clinical testing. Allele origin: germline. Affected: no.

Genome-Nilou Lab
Classification: Benign for Myopathy, myofibrillar, 9, with early respiratory failure. Last evaluated: 2021-09-10. Review status: criteria provided, single submitter. Criteria: ACMG Guidelines, 2015. Collection method: clinical testing. Allele origin: germline. Affected: no.

Genome-Nilou Lab
Classification: Benign for Early-onset myopathy with fatal cardiomyopathy. Last evaluated: 2021-09-10. Review status: criteria provided, single submitter. Criteria: ACMG Guidelines, 2015. Collection method: clinical testing. Allele origin: germline. Affected: no.

Genome-Nilou Lab
Classification: Benign for Tibial muscular dystrophy. Last evaluated: 2021-09-10. Review status: criteria provided, single submitter. Criteria: ACMG Guidelines, 2015. Collection method: clinical testing. Allele origin: germline. Affected: no.

Athena Diagnostics
Classification: Benign. Last evaluated: 2019-06-17. Review status: criteria provided, single submitter. Criteria: Athena Diagnostics Criteria. Collection method: clinical testing. Allele origin: germline.

CHEO Genetics Diagnostic Laboratory, Children's Hospital of Eastern Ontario
Classification: Benign for Cardiomyopathy. Last evaluated: 2018-04-25. Review status: criteria provided, single submitter. Criteria: ACMG Guidelines, 2015. Collection method: clinical testing. Allele origin: germline.

Ambry Genetics
Classification: Likely benign for Cardiovascular phenotype. Last evaluated: 2018-03-15. Review status: criteria provided, single submitter. Criteria: Ambry Variant Classification Scheme 2023. Collection method: clinical testing. Allele origin: germline.

Eurofins Ntd Llc (ga)
Classification: Likely benign. Last evaluated: 2017-03-09. Review status: criteria provided, single submitter. Criteria: EGL Classification Definitions 2015. Collection method: clinical testing. Allele origin: germline. Observed: 2 variant alleles, 2 heterozygotes.

GeneDx
Classification: Benign. Last evaluated: 2014-09-26. Review status: criteria provided, single submitter. Criteria: GeneDx Variant Classification (06012015). Collection method: clinical testing. Allele origin: germline. Affected: yes.
Comment: This variant is considered likely benign or benign based on one or more of the following criteria: it is a conservative change, it occurs at a poorly conserved position in the protein, it is predicted to be benign by multiple in silico algorithms, and/or has population frequency not consistent with disease.

Laboratory for Molecular Medicine, Mass General Brigham Personalized Medicine
Classification: Likely benign. Last evaluated: 2012-03-19. Review status: criteria provided, single submitter. Criteria: LMM Criteria. Collection method: clinical testing. Allele origin: germline. Observed: 3 variant alleles.
Comment: Asp29167Asp in exon 292 of TTN: This variant is not expected to have clinical si gnificance because it does not alter an amino acid residue and is not located wi thin the splice consensus sequence. It has been identified in 0.2% (5/3330) of A frican American chromosomes from a broad population by the NHLBI Exome Sequencin g Project. Asp29167Asp in exon 292 of TTN (a llele frequency = 0.2%, 5/3330) **

PreventionGenetics, part of Exact Sciences
Classification: Likely benign for TTN-related condition. Last evaluated: 2019-11-18. Review status: no assertion criteria provided. Collection method: clinical testing. Allele origin: germline. Not counted in ClinVar's aggregate classification.
Comment: This variant is classified as likely benign based on ACMG/AMP sequence variant interpretation guidelines (Richards et al. 2015 PMID: 25741868, with internal and published modifications).

NM_001267550.2(TTN):c.95205C>T (p.Asp31735=)

Genes: TTN (titin; minus strand), TTN-AS1 (TTN antisense RNA 1; plus strand). Cytogenetic location: 2q31.2.
Variant type: single nucleotide variant.
Coding change: c.95205C>T on transcript NM_001267550.2 (MANE Select); coding-DNA position 95205, C replaced by T.
Protein change: p.Asp31735=; no amino-acid change (aspartic acid 31735 retained).
Molecular consequence: synonymous variant.
Genome position (GRCh38, 1-based): chr2:178,546,031, G>A on the plus strand (C>T on the coding strand, the complement: TTN is on the minus strand). VCF-style: chr2-178546031-G-A. GRCh37 (hg19) VCF-style: chr2-179410758-G-A.
Other names: p.D30094D:GAC>GAT; c.90282C>T, p.Asp30094= (NM_001256850.1); c.68010C>T, p.Asp22670= (NM_003319.4); c.87501C>T, p.Asp29167= (NM_133378.4); c.68385C>T, p.Asp22795= (NM_133432.3); c.68586C>T, p.Asp22862= (NM_133437.4).
Identifiers: ClinVar variation 47551 (VCV000047551.54), dbSNP rs373182578, ClinGen allele CA284110.